The following is an entry in ClinVar:

NM_002470.4(MYH3):c.5531A>T (p.Tyr1844Phe)

Gene: MYH3 (myosin heavy chain 3; minus strand). Cytogenetic location: 17p13.1.
Variant type: single nucleotide variant.
Coding change: c.5531A>T on transcript NM_002470.4 (MANE Select); coding-DNA position 5531, A replaced by T.
Protein change: p.Tyr1844Phe; replaces tyrosine 1844 with phenylalanine.
Molecular consequence: missense variant.
Genome position (GRCh38, 1-based): chr17:10,630,123, T>A on the plus strand (A>T on the coding strand, the complement: MYH3 is on the minus strand). VCF-style: chr17-10630123-T-A. GRCh37 (hg19) VCF-style: chr17-10533440-T-A.
Other names: short protein forms Y1844F.
Identifiers: ClinVar variation 2761078 (VCV002761078.3), dbSNP rs2508561391, ClinGen allele CA398130639.

ClinVar aggregate classification (germline): Uncertain significance (1 of 4 stars; one submission).

Allele frequency attached by ClinVar (database versions not stated): gnomAD exomes below 0.00001.
gnomAD v4.1: 2 of 1,614,206 alleles (0.00012%); highest among the groups gnomAD compares: Non-Finnish European, 0.00017%; no homozygotes.

Submission:

Labcorp Genetics (formerly Invitae), Labcorp
Classification: Uncertain significance. Last evaluated: 2023-04-22. Review status: criteria provided, single submitter. Criteria: Invitae Variant Classification Sherloc (09022015). Collection method: clinical testing. Allele origin: germline.
Comment: This sequence change replaces tyrosine, which is neutral and polar, with phenylalanine, which is neutral and non-polar, at codon 1844 of the MYH3 protein (p.Tyr1844Phe). This variant is not present in population databases (gnomAD no frequency). This variant has not been reported in the literature in individuals affected with MYH3-related conditions. Advanced modeling of protein sequence and biophysical properties (such as structural, functional, and spatial information, amino acid conservation, physicochemical variation, residue mobility, and thermodynamic stability) performed at Invitae indicates that this missense variant is not expected to disrupt MYH3 protein function. In summary, the available evidence is currently insufficient to determine the role of this variant in disease. Therefore, it has been classified as a Variant of Uncertain Significance.